The following is an entry in ClinVar:

ClinVar aggregate classification (germline): Benign/Likely benign. Review status: criteria provided, multiple submitters, no conflicts (2 of 4 stars). 11 submissions from 11 submitters: Benign (10); Likely benign (1). Last evaluated 2026-03-27.

Conditions:
Familial thoracic aortic aneurysm and aortic dissection (TAAD). Also called: Thoracic aortic aneurysms and dissections. Identifiers: Orphanet 91387, MedGen C4707243, MONDO:0019625.
Arterial tortuosity syndrome (ATORS). Identifiers: Orphanet 3342, MedGen C1859726, MONDO:0008818, OMIM 208050.

Allele frequency attached by ClinVar (database versions not stated): gnomAD exomes 0.00760; ExAC 0.00881; gnomAD 0.02585 and 0.02748; ESP Exome Variant Server 0.02776; TOPMed 0.02789; 1000 Genomes Project 0.02835; 1000 Genomes Project 30x 0.02858.
gnomAD v4.1: 8,780 of 1,613,926 alleles (0.54%); highest among the groups gnomAD compares: African/African-American, 8.8%; 332 homozygotes.

Submissions (11):

Molecular Diagnostic Laboratory for Inherited Cardiovascular Disease, Montreal Heart Institute
Classification: Benign. Last evaluated: 2026-03-27. Review status: criteria provided, single submitter. Criteria: ACMG Guidelines, 2015. Collection method: clinical testing. Allele origin: germline. Affected: no.
Comment: BA1;BP4

Labcorp Genetics (formerly Invitae), Labcorp
Classification: Benign for Arterial tortuosity syndrome. Last evaluated: 2026-02-04. Review status: criteria provided, single submitter. Criteria: Invitae Variant Classification Sherloc (09022015). Collection method: clinical testing. Allele origin: germline.

Blueprint Genetics
Classification: Likely benign. Last evaluated: 2024-11-13. Review status: criteria provided, single submitter. Criteria: ACMG Guidelines, 2015. Collection method: clinical testing. Allele origin: germline.

Women's Health and Genetics/Laboratory Corporation of America, LabCorp
Classification: Benign. Last evaluated: 2020-02-17. Review status: criteria provided, single submitter. Criteria: LabCorp Variant Classification Summary - May 2015. Collection method: clinical testing. Allele origin: germline.
Comment: Variant summary: SLC2A10 c.1552A>G (p.Thr518Ala) results in a non-conservative amino acid change in the encoded protein sequence. Four of five in-silico tools predict a benign effect of the variant on protein function. The variant allele was found at a frequency of 0.0076 in 251048 control chromosomes, predominantly at a frequency of 0.087 within the African or African-American subpopulation in the gnomAD database, including 71 homozygotes. The observed variant frequency within African or African-American control individuals in the gnomAD database is approximately 55-fold of the estimated maximal expected allele frequency for a pathogenic variant in SLC2A10 causing Aortopathy phenotype (0.0016), strongly suggesting that the variant is a benign polymorphism found primarily in populations of African or African-American origin. To our knowledge, no occurrence of c.1552A>G in individuals affected with Aortopathy and no experimental evidence demonstrating its impact on protein function have been reported. Four ClinVar submitters (evaluation after 2014) cite the variant as benign/likely benign. Based on the evidence outlined above, the variant was classified as benign.

Illumina Laboratory Services, Illumina
Classification: Benign for Arterial tortuosity syndrome. Last evaluated: 2018-01-13. Review status: criteria provided, single submitter. Criteria: ICSL Variant Classification Criteria 13 December 2019. Collection method: clinical testing. Allele origin: germline.
Comment: This variant was observed in the ICSL laboratory as part of a predisposition screen in an ostensibly healthy population. It had not been previously curated by ICSL or reported in the Human Gene Mutation Database (HGMD: prior to June 1st, 2018), and was therefore a candidate for classification through an automated scoring system. Utilizing variant allele frequency, disease prevalence and penetrance estimates, and inheritance mode, an automated score was calculated to assess if this variant is too frequent to cause the disease. Based on the score and internal cut-off values, a variant classified as benign is not then subjected to further curation. The score for this variant resulted in a classification of benign for this disease.

CHEO Genetics Diagnostic Laboratory, Children's Hospital of Eastern Ontario
Classification: Benign for Familial thoracic aortic aneurysm and aortic dissection. Last evaluated: 2016-03-18. Review status: criteria provided, single submitter. Criteria: ACMG Guidelines, 2015. Collection method: clinical testing. Allele origin: germline. Study: Canadian Open Genetics Repository.

Ambry Genetics
Classification: Benign for Familial thoracic aortic aneurysm and aortic dissection. Last evaluated: 2015-02-03. Review status: criteria provided, single submitter. Criteria: Ambry Variant Classification Scheme 2023. Collection method: clinical testing. Allele origin: germline.

Mayo Clinic Laboratories, Mayo Clinic
Classification: Benign. Last evaluated: 2014-04-04. Review status: criteria provided, single submitter. Criteria: ACMG Guidelines, 2015. Collection method: clinical testing. Allele origin: germline. Observed: 26 variant alleles.

GeneDx
Classification: Benign. Last evaluated: 2013-02-01. Review status: criteria provided, single submitter. Criteria: GeneDx Variant Classification (06012015). Collection method: clinical testing. Allele origin: germline. Affected: yes.
Comment: This variant is considered likely benign or benign based on one or more of the following criteria: it is a conservative change, it occurs at a poorly conserved position in the protein, it is predicted to be benign by multiple in silico algorithms, and/or has population frequency not consistent with disease.

Breakthrough Genomics
Classification: Benign. Review status: criteria provided, single submitter. Criteria: ACMG Guidelines, 2015. Collection method: not provided. Allele origin: germline. Inheritance: Autosomal recessive inheritance. Affected: yes.

PreventionGenetics, part of Exact Sciences
Classification: Benign. Review status: criteria provided, single submitter. Criteria: ACMG Guidelines, 2015. Collection method: clinical testing. Allele origin: germline.

NM_030777.4(SLC2A10):c.1552A>G (p.Thr518Ala)

Gene: SLC2A10 (solute carrier family 2 member 10; plus strand). Cytogenetic location: 20q13.12.
Variant type: single nucleotide variant.
Coding change: c.1552A>G on transcript NM_030777.4 (MANE Select); coding-DNA position 1552, A replaced by G.
Protein change: p.Thr518Ala; replaces threonine 518 with alanine.
Molecular consequence: missense variant.
Genome position (GRCh38, 1-based): chr20:46,733,760, A>G. VCF-style: chr20-46733760-A-G. GRCh37 (hg19) VCF-style: chr20-45362399-A-G.
Other names: p.T518A:ACC>GCC; short protein forms T518A.
Identifiers: ClinVar variation 139181 (VCV000139181.26), dbSNP rs6018008, ClinGen allele CA293561.